The following is an entry in ClinVar:

NM_003919.3(SGCE):c.579del (p.Glu194fs)

Genes: CASD1 (CAS1 domain sialic acid O acetyltransferase 1; plus strand), SGCE (sarcoglycan epsilon; minus strand). Cytogenetic location: 7q21.3.
Variant type: Deletion.
Coding change: c.579del on transcript NM_003919.3 (MANE Select); coding-DNA position 579, one base deleted (A; older notation c.579delA).
Protein change: p.Glu194fs; shifts the reading frame from glutamic acid 194.
Molecular consequence: frameshift variant.
Genome position (GRCh38, 1-based): chr7:94,618,841, T deleted on the plus strand (A on the coding strand, the reverse complement: SGCE is on the minus strand). VCF-style (leftmost placement, unchanged base first): chr7-94618840-CT-C. GRCh37 (hg19) VCF-style: chr7-94248152-CT-C.
Other names: c.579del, p.Glu194fs (NM_001099400.2, NM_001099401.2, NM_001346717.2); c.456del, p.Glu153fs (NM_001301139.2, NM_001362809.2); c.687del, p.Glu230fs (NM_001346713.2, NM_001346715.2); c.492del, p.Glu165fs (NM_001346719.2, NM_001362807.2); c.306del, p.Glu103fs (NM_001346720.2, NM_001362808.2); short protein forms E153fs, E165fs, E194fs, E230fs, E103fs.
Identifiers: ClinVar variation 2116413 (VCV002116413.4), dbSNP rs2485108635, ClinGen allele CA2580077865.

ClinVar aggregate classification (germline): Pathogenic (1 of 4 stars; one submission).

Conditions:
Myoclonic dystonia 11 (DYT11). Also called: DYT-SGCE; Myoclonic dystonia; Dystonia 11; Dystonia, alcohol responsive; Hereditary essential myoclonus; SGCE Myoclonus-Dystonia. Identifiers: Orphanet 36899, MedGen C1834570, MONDO:0008044, OMIM 159900.

Submission:

Labcorp Genetics (formerly Invitae), Labcorp
Classification: Pathogenic for Myoclonic dystonia 11. Last evaluated: 2022-03-24. Review status: criteria provided, single submitter. Criteria: Invitae Variant Classification Sherloc (09022015). Collection method: clinical testing. Allele origin: germline.
Comment: For these reasons, this variant has been classified as Pathogenic. Algorithms developed to predict the effect of sequence changes on RNA splicing suggest that this variant may disrupt the consensus splice site. This premature translational stop signal has been observed in individual(s) with clinical features of dystonia (Invitae). This variant is not present in population databases (gnomAD no frequency). This sequence change creates a premature translational stop signal (p.Glu194Serfs*3) in the SGCE gene. It is expected to result in an absent or disrupted protein product. Loss-of-function variants in SGCE are known to be pathogenic (PMID: 12821748, 15389977, 17853490, 24297365).

Literature cited by the submitters: PubMed 12821748; PubMed 15389977; PubMed 17853490; PubMed 24297365.